The following is an entry in ClinVar:

NM_201384.3(PLEC):c.4557G>A (p.Ser1519=)

Gene: PLEC (plectin; minus strand). Cytogenetic location: 8q24.3.
Variant type: single nucleotide variant.
Coding change: c.4557G>A on transcript NM_201384.3 (MANE Select); coding-DNA position 4557, G replaced by A.
Protein change: p.Ser1519=; no amino-acid change (serine 1519 retained).
Molecular consequence: synonymous variant.
Genome position (GRCh38, 1-based): chr8:143,925,372, C>T on the plus strand (G>A on the coding strand, the complement: PLEC is on the minus strand). VCF-style: chr8-143925372-C-T. GRCh37 (hg19) VCF-style: chr8-144999540-C-T.
Other names: p.Ser1505=; c.4638G>A, p.Ser1546= (NM_000445.5); c.4515G>A, p.Ser1505= (NM_201378.4); c.4491G>A, p.Ser1497= (NM_201379.3); c.4968G>A, p.Ser1656= (NM_201380.4); c.4461G>A, p.Ser1487= (NM_201381.3); c.4557G>A, p.Ser1519= (NM_201382.4); c.4569G>A, p.Ser1523= (NM_201383.3).
Identifiers: ClinVar variation 93054 (VCV000093054.28), dbSNP rs79705634, ClinGen allele CA146392.

ClinVar aggregate classification (germline): Benign/Likely benign. Review status: criteria provided, multiple submitters, no conflicts (2 of 4 stars). 9 submissions from 9 submitters: Benign (7); Likely benign (1). 1 of the submissions does not count toward it. Last evaluated 2026-02-02.

Conditions:
Epidermolysis bullosa simplex, Ogna type (EBS5A). Also called: Pidermolysis bullosa simplex 5A, Ogna type; EPIDERMOLYSIS BULLOSA SIMPLEX 5A, OGNA TYPE. Identifiers: Orphanet 79401, MedGen C0432317, MONDO:0007555, OMIM 131950.
Autosomal recessive limb-girdle muscular dystrophy type 2Q (LGMDR17). Also called: MUSCULAR DYSTROPHY, LIMB-GIRDLE, AUTOSOMAL RECESSIVE 17. Identifiers: Orphanet 254361, MedGen C3150989, MONDO:0013390, OMIM 613723.
Epidermolysis bullosa simplex 5C, with pyloric atresia (EBS5C). Also called: PLEC-Related Epidermolysis Bullosa with Pyloric Atresia; Epidermolysis bullosa simplex with pyloric atresia; PLEC1-Related Epidermolysis Bullosa with Pyloric Atresia. Identifiers: Orphanet 158684, MedGen C2677349, MONDO:0012807, OMIM 612138.
Epidermolysis bullosa simplex with nail dystrophy (EBS5D). Identifiers: MedGen C4225309, MONDO:0014661, OMIM 616487.
Epidermolysis bullosa simplex 5B, with muscular dystrophy (EBS5B). Also called: EPIDERMOLYSIS BULLOSA SIMPLEX AND LIMB-GIRDLE MUSCULAR DYSTROPHY; Epidermolysis bullosa simplex with muscular dystrophy. Identifiers: Orphanet 257, MedGen C2931072, MONDO:0009181, OMIM 226670.
Junctional epidermolysis bullosa with pyloric atresia. Also called: APLASIA CUTIS CONGENITA WITH GASTROINTESTINAL ATRESIA; CARMI SYNDROME; EB-PA-ACC; Epidermolysis bullosa, junctional, with pyloric atresia and aplasia cutis congenita; Epidermolysis bullosa junctionalis with pyloric atresia; ITGB4-Related Epidermolysis Bullosa with Pyloric Atresia. Identifiers: Orphanet 79403, MedGen C5676875, MONDO:0009183, OMIM 226730.

Allele frequency attached by ClinVar (database versions not stated): gnomAD exomes 0.00524; ExAC 0.00989; ESP Exome Variant Server 0.01041; 1000 Genomes Project 0.01118; 1000 Genomes Project 30x 0.01249; gnomAD 0.01389; TOPMed 0.01413.
gnomAD v4.1: 8,115 of 1,565,070 alleles (0.52%); highest among the groups gnomAD compares: African/African-American, 3.8%; 73 homozygotes.

Submissions (9):

Labcorp Genetics (formerly Invitae), Labcorp
Classification: Benign for Autosomal recessive limb-girdle muscular dystrophy type 2Q; Epidermolysis bullosa simplex, Ogna type; Epidermolysis bullosa simplex with nail dystrophy; Epidermolysis bullosa simplex 5C, with pyloric atresia; Epidermolysis bullosa simplex 5B, with muscular dystrophy. Last evaluated: 2026-02-02. Review status: criteria provided, single submitter. Criteria: Invitae Variant Classification Sherloc (09022015). Collection method: clinical testing. Allele origin: germline.

Athena Diagnostics
Classification: Benign. Last evaluated: 2024-10-16. Review status: criteria provided, single submitter. Criteria: Athena Diagnostics Criteria. Collection method: clinical testing. Allele origin: unknown.

Fulgent Genetics
Classification: Likely benign for Epidermolysis bullosa simplex, Ogna type; Epidermolysis bullosa simplex 5B, with muscular dystrophy; Junctional epidermolysis bullosa with pyloric atresia; Epidermolysis bullosa simplex 5C, with pyloric atresia; Autosomal recessive limb-girdle muscular dystrophy type 2Q; Epidermolysis bullosa simplex with nail dystrophy. Last evaluated: 2021-08-30. Review status: criteria provided, single submitter. Criteria: ACMG Guidelines, 2015. Collection method: clinical testing. Allele origin: unknown.

Mayo Clinic Laboratories, Mayo Clinic
Classification: Benign. Last evaluated: 2020-11-27. Review status: criteria provided, single submitter. Criteria: ACMG Guidelines, 2015. Collection method: clinical testing. Allele origin: germline. Observed: 8 variant alleles.

GeneDx
Classification: Benign. Last evaluated: 2016-07-07. Review status: criteria provided, single submitter. Criteria: GeneDx Variant Classification (06012015). Collection method: clinical testing. Allele origin: germline. Affected: yes.
Comment: This variant is considered likely benign or benign based on one or more of the following criteria: it is a conservative change, it occurs at a poorly conserved position in the protein, it is predicted to be benign by multiple in silico algorithms, and/or has population frequency not consistent with disease.

Laboratory for Molecular Medicine, Mass General Brigham Personalized Medicine
Classification: Benign. Last evaluated: 2015-01-13. Review status: criteria provided, single submitter. Criteria: LMM Criteria. Collection method: clinical testing. Allele origin: germline. Observed: 1 variant allele.
Comment: p.Ser1656Ser in exon 31 of PLEC: This variant is not expected to have clinical s ignificance because it does not alter an amino acid residue and is not located w ithin the splice consensus sequence. It has been identified in 2.3% (77/3294) of African American chromosomes from a broad population by the NHLBI Exome Sequenc ing Project (dbSNP rs79705634).

Eurofins Ntd Llc (ga)
Classification: Benign. Last evaluated: 2013-10-04. Review status: criteria provided, single submitter. Criteria: EGL Classification Definitions 2015. Collection method: clinical testing. Allele origin: germline. Observed: 1 variant allele, 1 heterozygote.

Breakthrough Genomics
Classification: Benign. Review status: criteria provided, single submitter. Criteria: ACMG Guidelines, 2015. Collection method: not provided. Allele origin: germline. Inheritance: Autosomal recessive inheritance. Affected: yes.

Genetic Services Laboratory, University of Chicago
Classification: Likely benign for AllHighlyPenetrant. Review status: no assertion criteria provided. Collection method: clinical testing. Allele origin: germline. Inheritance: Autosomal recessive inheritance. Not counted in ClinVar's aggregate classification.
Comment: Likely benign based on allele frequency in 1000 Genomes Project or ESP global frequency and its presence in a patient with a rare or unrelated disease phenotype. NOT Sanger confirmed.